The following is an entry in ClinVar:

ClinVar aggregate classification (germline): Uncertain significance (1 of 4 stars; one submission).

Submission:

Labcorp Genetics (formerly Invitae), Labcorp
Classification: Uncertain significance. Last evaluated: 2021-07-14. Review status: criteria provided, single submitter. Criteria: Invitae Variant Classification Sherloc (09022015). Collection method: clinical testing. Allele origin: germline.
Comment: This sequence change replaces glutamine with histidine at codon 111 of the TAB2 protein (p.Gln111His). The glutamine residue is moderately conserved and there is a small physicochemical difference between glutamine and histidine. This variant is not present in population databases (ExAC no frequency). This variant has not been reported in the literature in individuals affected with TAB2-related conditions. Algorithms developed to predict the effect of missense changes on protein structure and function output the following: SIFT: "Tolerated"; PolyPhen-2: "Benign"; Align-GVGD: "Class C0". The histidine amino acid residue is found in multiple mammalian species, which suggests that this missense change does not adversely affect protein function. In summary, the available evidence is currently insufficient to determine the role of this variant in disease. Therefore, it has been classified as a Variant of Uncertain Significance.

NM_001292034.3(TAB2):c.333A>C (p.Gln111His)

Gene: TAB2 (TGF-beta activated kinase 1 (MAP3K7) binding protein 2; plus strand). Cytogenetic location: 6q25.1.
Variant type: single nucleotide variant.
Coding change: c.333A>C on transcript NM_001292034.3 (MANE Select); coding-DNA position 333, A replaced by C.
Protein change: p.Gln111His; replaces glutamine 111 with histidine.
Molecular consequence: missense variant.
Genome position (GRCh38, 1-based): chr6:149,378,248, A>C. VCF-style: chr6-149378248-A-C. GRCh37 (hg19) VCF-style: chr6-149699384-A-C.
Other names: c.237A>C, p.Gln79His (NM_001292035.3); c.333A>C, p.Gln111His (NM_001369506.1, NM_015093.6); short protein forms Q79H, Q111H.
Identifiers: ClinVar variation 1367314 (VCV001367314.8), dbSNP rs144247284, ClinGen allele CA365993486.